The following is an entry in ClinVar:

NM_001374828.1(ARID1B):c.6180G>A (p.Trp2060Ter)

Gene: ARID1B (AT-rich interaction domain 1B; plus strand). Cytogenetic location: 6q25.3.
Variant type: single nucleotide variant.
Coding change: c.6180G>A on transcript NM_001374828.1 (MANE Select); coding-DNA position 6180, G replaced by A.
Protein change: p.Trp2060Ter; replaces tryptophan 2060 with a stop codon.
Molecular consequence: nonsense.
Genome position (GRCh38, 1-based): chr6:157,206,952, G>A. VCF-style: chr6-157206952-G-A. GRCh37 (hg19) VCF-style: chr6-157528086-G-A.
Other names: c.5811G>A, p.Trp1937Ter (NM_020732.3); c.3681G>A, p.Trp1227Ter (NM_001363725.2); c.6060G>A, p.Trp2020Ter (NM_001371656.1, NM_001374820.1); c.6021G>A, p.Trp2007Ter (NM_017519.3); short protein forms W1937*, W1227*, W2007*, W2020*, W2060*.
Identifiers: ClinVar variation 280651 (VCV000280651.2), dbSNP rs886041819, ClinGen allele CA10603003.

ClinVar aggregate classification (germline): Pathogenic (1 of 4 stars; one submission).

Submission:

GeneDx
Classification: Pathogenic. Last evaluated: 2016-06-02. Review status: criteria provided, single submitter. Criteria: GeneDx Variant Classification (06012015). Collection method: clinical testing. Allele origin: germline. Affected: yes.
Comment: The W1937X pathogenic variant in the ARID1B gene has not been reported previously as a pathogenic variant nor as a benign variant, to our knowledge. This variant is predicted to cause loss of normal protein function through protein truncation. The W1937X variant was not observed in approximately 6500 individuals of European and African American ancestry in the NHLBI Exome Sequencing Project, indicating it is not a common benign variant in these populations. We interpret W1937X as a pathogenic variant